The following is an entry in ClinVar:

NM_000257.4(MYH7):c.640-3C>T

Gene: MYH7 (myosin heavy chain 7; minus strand). Cytogenetic location: 14q11.2.
Variant type: single nucleotide variant.
Coding change: c.640-3C>T on transcript NM_000257.4 (MANE Select); 3 bases into the intron before coding-DNA position 640, C replaced by T.
Molecular consequence: intron variant.
Genome position (GRCh38, 1-based): chr14:23,431,680, G>A on the plus strand (C>T on the coding strand, the complement: MYH7 is on the minus strand). VCF-style: chr14-23431680-G-A. GRCh37 (hg19) VCF-style: chr14-23900889-G-A.
Other names: c.640-3C>T (NM_001407004.1).
Identifiers: ClinVar variation 2868627 (VCV002868627.3), dbSNP rs2502313125, ClinGen allele CA2739277777.

ClinVar aggregate classification (germline): Uncertain significance (1 of 4 stars; one submission).

Conditions:
Hypertrophic cardiomyopathy. Also called: HYPERTROPHIC MYOCARDIOPATHY. Identifiers: Orphanet 217569, MedGen C0007194, MeSH D002312, MONDO:0005045, HP:0001639.

Submission:

Labcorp Genetics (formerly Invitae), Labcorp
Classification: Uncertain significance for Hypertrophic cardiomyopathy. Last evaluated: 2023-05-25. Review status: criteria provided, single submitter. Criteria: Invitae Variant Classification Sherloc (09022015). Collection method: clinical testing. Allele origin: germline.
Comment: In summary, the available evidence is currently insufficient to determine the role of this variant in disease. Therefore, it has been classified as a Variant of Uncertain Significance. Variants that disrupt the consensus splice site are a relatively common cause of aberrant splicing (PMID: 17576681, 9536098). Algorithms developed to predict the effect of sequence changes on RNA splicing suggest that this variant is not likely to affect RNA splicing. This variant has not been reported in the literature in individuals affected with MYH7-related conditions. This variant is not present in population databases (gnomAD no frequency). This sequence change falls in intron 7 of the MYH7 gene. It does not directly change the encoded amino acid sequence of the MYH7 protein. It affects a nucleotide within the consensus splice site.

Literature cited by the submitters: PubMed 17576681; PubMed 9536098.